The following is an entry in ClinVar:

NM_000059.4(BRCA2):c.2807A>G (p.Lys936Arg)

Gene: BRCA2 (BRCA2 DNA repair associated; plus strand). Cytogenetic location: 13q13.1.
Variant type: single nucleotide variant.
Coding change: c.2807A>G on transcript NM_000059.4 (MANE Select); coding-DNA position 2807, A replaced by G.
Protein change: p.Lys936Arg; replaces lysine 936 with arginine.
Molecular consequence: missense variant.
Genome position (GRCh38, 1-based): chr13:32,337,162, A>G. VCF-style: chr13-32337162-A-G. GRCh37 (hg19) VCF-style: chr13-32911299-A-G.
Other names: short protein forms K936R.
Identifiers: ClinVar variation 184871 (VCV000184871.14), dbSNP rs786201753, ClinGen allele CA016431.

ClinVar aggregate classification (germline): Conflicting classifications of pathogenicity. Review status: criteria provided, conflicting classifications (1 of 4 stars). 3 submissions from 3 submitters: Uncertain significance (2); Likely benign (1). Last evaluated 2023-03-23.

Conditions:
Hereditary cancer-predisposing syndrome. Also called: Hereditary neoplastic syndrome; Neoplastic Syndromes, Hereditary; Tumor predisposition; Hereditary Cancer Syndrome. Identifiers: Orphanet 140162, MedGen C0027672, MeSH D009386, MONDO:0015356.
Hereditary breast ovarian cancer syndrome. Also called: Hereditary breast and ovarian cancer syndrome (HBOC); Breast and ovarian cancer; Hereditary breast and/or ovarian cancer syndrome; BRCA1- and BRCA2-Associated Hereditary Breast and Ovarian Cancer; Hereditary breast and ovarian cancer syndrome; Hereditary breast and ovarian cancer. Identifiers: Orphanet 145, MedGen C0677776, MeSH D061325, MONDO:0003582. Disease mechanism: loss of function.

Submissions (3):

University of Washington Department of Laboratory Medicine, University of Washington
Classification: Likely benign for Hereditary cancer-predisposing syndrome. Last evaluated: 2023-03-23. Review status: criteria provided, single submitter. Criteria: Dines et al. (Genet Med. 2020). Collection method: curation. Allele origin: germline.
Comment: Missense variant in a coldspot region where missense variants are very unlikely to be pathogenic (PMID:31911673).

BRCA2 exon 11 coldspot. Reclassification based on statistical prior probability.

Labcorp Genetics (formerly Invitae), Labcorp
Classification: Uncertain significance for Hereditary breast ovarian cancer syndrome. Last evaluated: 2018-05-09. Review status: criteria provided, single submitter. Criteria: Invitae Variant Classification Sherloc (09022015). Collection method: clinical testing. Allele origin: germline.
Comment: In summary, the available evidence is currently insufficient to determine the role of this variant in disease. Therefore, it has been classified as a Variant of Uncertain Significance. Algorithms developed to predict the effect of missense changes on protein structure and function output the following: SIFT: "Tolerated"; PolyPhen-2: "Benign"; Align-GVGD: "Class C0". The arginine amino acid residue is found in multiple mammalian species, suggesting that this missense change does not adversely affect protein function. These predictions have not been confirmed by published functional studies and their clinical significance is uncertain. This variant has not been reported in the literature in individuals with BRCA2-related disease. ClinVar contains an entry for this variant (Variation ID: 184871). This variant is not present in population databases (ExAC no frequency). This sequence change replaces lysine with arginine at codon 936 of the BRCA2 protein (p.Lys936Arg). The lysine residue is weakly conserved and there is a small physicochemical difference between lysine and arginine.

Ambry Genetics
Classification: Uncertain significance for Hereditary cancer-predisposing syndrome. Last evaluated: 2014-11-28. Review status: criteria provided, single submitter. Criteria: Ambry Variant Classification Scheme 2023. Collection method: clinical testing. Allele origin: germline.
Comment: The p.K936R variant (also known as c.2807A>G and 3035A>G), located in coding exon 10 of the BRCA2 gene, results from an A to G substitution at nucleotide position 2807. The lysine at codon 936 is replaced by arginine, an amino acid with highly similar properties. This variant was not reported in population based cohorts in the following databases: Database of Single Nucleotide Polymorphisms (dbSNP), NHLBI Exome Sequencing Project (ESP), and 1000 Genomes Project. In the ESP, this variant was not observed in 6501 samples (13002 alleles) with coverage at this position. To date, this alteration has been detected with an allele frequency of approximately 0.002% (greater than 64,000 alleles tested) in our clinical cohort. This amino acid position is not well conserved in available vertebrate species and arginine is the reference amino acid in multiple species. In addition, this alteration is predicted to be tolerated by in silico analysis. Since supporting evidence is limited at this time, the clinical significance of p.K936R remains unclear.